The following is an entry in ClinVar:

NM_007194.4(CHEK2):c.1014_1036dup (p.Arg346fs)

Gene: CHEK2 (checkpoint kinase 2; minus strand). Cytogenetic location: 22q12.1.
Variant type: Duplication.
Coding change: c.1014_1036dup on transcript NM_007194.4 (MANE Select); coding-DNA positions 1014 to 1036, 23 bases duplicated (TCATGAAAACGGTATTATACACC).
Protein change: p.Arg346fs; shifts the reading frame from arginine 346.
Molecular consequence: frameshift variant. On other transcripts: intron variant (3).
Genome position (GRCh38, 1-based): chr22:28,696,960-28,696,982, GGTGTATAATACCGTTTTCATGA duplicated on the plus strand (TCATGAAAACGGTATTATACACC on the coding strand, the reverse complement: CHEK2 is on the minus strand). VCF-style (leftmost placement, unchanged base first): chr22-28696959-C-CGGTGTATAATACCGTTTTCATGA. GRCh37 (hg19) VCF-style: chr22-29092947-C-CGGTGTATAATACCGTTTTCATGA.
Other names: c.1143_1165dup, p.Arg389fs (NM_001005735.3); c.351_373dup, p.Arg125fs (NM_001257387.3, NM_001437942.1); c.813_835dup, p.Arg279fs (NM_001349956.3); c.1107_1129dup, p.Arg377fs (NM_001438293.1); c.1009-1109_1009-1087dup (NM_145862.3); c.1102-1109_1102-1087dup (NM_001438295.1); c.1138-1109_1138-1087dup (NM_001438294.1); short protein forms R279fs, R346fs, R389fs, R125fs, R377fs.
Identifiers: ClinVar variation 1416288 (VCV001416288.7), dbSNP rs2145817523, ClinGen allele CA2573158004.
Genomic context (GRCh38, chr22:28,696,959, plus strand): 5'-ACCTTTATAAGACAGTCCTCTTCTTGAGATGACAGTAAAACATTCTCTGGCTTTAAGTCA[C>CGGTGTATAATACCGTTTTCATGA]GGTGTATAATACCGTTTTCATGAAGGTACTACACAGAAAGGCAGGCATGACCCTCAGATT-3'

ClinVar aggregate classification (germline): Pathogenic (1 of 4 stars; one submission).

Conditions:
Familial cancer of breast. Also called: BREAST CANCER, FAMILIAL; Hereditary breast cancer; hereditary breast carcinoma. Identifiers: Orphanet 227535, MedGen C0346153, MONDO:0016419, OMIM 114480. Disease mechanism: loss of function.

Submission:

Labcorp Genetics (formerly Invitae), Labcorp
Classification: Pathogenic for Familial cancer of breast. Last evaluated: 2021-02-18. Review status: criteria provided, single submitter. Criteria: Invitae Variant Classification Sherloc (09022015). Collection method: clinical testing. Allele origin: germline.
Comment: This variant is not present in population databases (ExAC no frequency). This sequence change creates a premature translational stop signal (p.Arg346Leufs*11) in the CHEK2 gene. It is expected to result in an absent or disrupted protein product. Loss-of-function variants in CHEK2 are known to be pathogenic (PMID: 21876083, 24713400). For these reasons, this variant has been classified as Pathogenic. Algorithms developed to predict the effect of sequence changes on RNA splicing suggest that this variant may create or strengthen a splice site, but this prediction has not been confirmed by published transcriptional studies. This variant has not been reported in the literature in individuals with CHEK2-related conditions.

Literature cited by the submitters: PubMed 21876083; PubMed 24713400.